The following is an entry in ClinVar:

ClinVar aggregate classification (germline): Likely pathogenic (1 of 4 stars; one submission).

Conditions:
Hereditary cancer-predisposing syndrome. Also called: Neoplastic Syndromes, Hereditary; Tumor predisposition; Hereditary neoplastic syndrome; Hereditary Cancer Syndrome. Identifiers: Orphanet 140162, MedGen C0027672, MeSH D009386, MONDO:0015356.

Submission:

Ambry Genetics
Classification: Likely pathogenic for Hereditary cancer-predisposing syndrome. Last evaluated: 2019-02-18. Review status: criteria provided, single submitter. Criteria: Ambry Variant Classification Scheme 2023. Collection method: clinical testing. Allele origin: germline.
Comment: The c.355+2T>G intronic variant results from a T to G substitution two nucleotides after coding exon 2 in the SMARCA4 gene. This nucleotide position is highly conserved in available vertebrate species. Using the BDGP and ESEfinder splice site prediction tools, this alteration is predicted to abolish the native splice donor site; however, direct evidence is unavailable. Alterations that disrupt the canonical splice site are expected to cause aberrant splicing, resulting in an abnormal protein or a transcript that is subject to nonsense-mediated mRNA decay. As such, this alteration is classified as likely pathogenic.

NM_003072.5(SMARCA4):c.355+2T>G

Gene: SMARCA4 (SWI/SNF related BAF chromatin remodeling complex subunit ATPase 4; plus strand). Cytogenetic location: 19p13.2.
Variant type: single nucleotide variant.
Coding change: c.355+2T>G on transcript NM_003072.5 (MANE Select); the canonical splice donor site of the intron after coding-DNA position 355, T replaced by G.
Molecular consequence: splice donor variant.
Genome position (GRCh38, 1-based): chr19:10,985,407, T>G. VCF-style: chr19-10985407-T-G. GRCh37 (hg19) VCF-style: chr19-11096083-T-G.
Other names: c.355+2T>G (NM_001128844.3, NM_001128849.3, NM_001128847.4 and 6 more transcripts).
Identifiers: ClinVar variation 823913 (VCV000823913.4), dbSNP rs1599942345, ClinGen allele CA404055438.